The following is an entry in ClinVar:

NM_017909.4(RMND1):c.516C>T (p.His172=)

Gene: RMND1 (required for meiotic nuclear division 1 homolog; minus strand). Cytogenetic location: 6q25.1.
Variant type: single nucleotide variant.
Coding change: c.516C>T on transcript NM_017909.4 (MANE Select); coding-DNA position 516, C replaced by T.
Protein change: p.His172=; no amino-acid change (histidine 172 retained).
Molecular consequence: synonymous variant.
Genome position (GRCh38, 1-based): chr6:151,436,543, G>A on the plus strand (C>T on the coding strand, the complement: RMND1 is on the minus strand). VCF-style: chr6-151436543-G-A. GRCh37 (hg19) VCF-style: chr6-151757678-G-A.
Other names: c.6C>T, p.His2= (NM_001271937.2).
Identifiers: ClinVar variation 3603888 (VCV003603888.9).

ClinVar aggregate classification (germline): Likely benign. Review status: criteria provided, multiple submitters, no conflicts (2 of 4 stars). 2 submissions from 2 submitters: Likely benign (2). Last evaluated 2025-09-01.

gnomAD v4.1: 1 of 1,613,734 alleles (0.000062%); highest among the groups gnomAD compares: African/African-American, 0.0013%; no homozygotes.

Submissions (2):

CeGaT Center for Human Genetics Tuebingen
Classification: Likely benign. Last evaluated: 2025-09-01. Review status: criteria provided, single submitter. Criteria: CeGaT Center For Human Genetics Tuebingen Variant Classification Criteria Version 2. Collection method: clinical testing. Allele origin: germline. Affected: yes. Observed: 1 variant allele.
Comment: RMND1: BP4, BP7

Labcorp Genetics (formerly Invitae), Labcorp
Classification: Likely benign. Last evaluated: 2024-09-02. Review status: criteria provided, single submitter. Criteria: Invitae Variant Classification Sherloc (09022015). Collection method: clinical testing. Allele origin: germline.